The following is an entry in ClinVar:

NM_001142966.3(GREB1L):c.2173C>A (p.Arg725=)

Gene: GREB1L (GREB1 like retinoic acid receptor coactivator; plus strand). Cytogenetic location: 18q11.1.
Variant type: single nucleotide variant.
Coding change: c.2173C>A on transcript NM_001142966.3 (MANE Select); coding-DNA position 2173, C replaced by A.
Protein change: p.Arg725=; no amino-acid change (arginine 725 retained).
Molecular consequence: synonymous variant.
Genome position (GRCh38, 1-based): chr18:21,454,554, C>A. VCF-style: chr18-21454554-C-A. GRCh37 (hg19) VCF-style: chr18-19034515-C-A.
Other names: c.2302C>A, p.Arg768= (NM_001410867.1); c.1846C>A, p.Arg616= (NM_001410868.1).
Identifiers: ClinVar variation 3046423 (VCV003046423.2), dbSNP rs1220139933, ClinGen allele CA503286544.

ClinVar aggregate classification (germline): Likely benign (0 of 4 stars; one submission).

Conditions:
GREB1L-related disorder. Also called: GREB1L-related condition.

Allele frequency attached by ClinVar (database versions not stated): gnomAD 0.00002; gnomAD exomes 0.00002; TOPMed 0.00004; 1000 Genomes Project 30x 0.00016.
gnomAD v4.1: 36 of 1,550,934 alleles (0.0023%); highest among the groups gnomAD compares: East Asian, 0.081%; no homozygotes.

Submission:

PreventionGenetics, part of Exact Sciences
Classification: Likely benign for GREB1L-related condition. Last evaluated: 2023-10-13. Review status: no assertion criteria provided. Collection method: clinical testing. Allele origin: germline.
Comment: This variant is classified as likely benign based on ACMG/AMP sequence variant interpretation guidelines (Richards et al. 2015 PMID: 25741868, with internal and published modifications).